The following is an entry in ClinVar:

NM_016938.5(EFEMP2):c.1192A>C (p.Met398Leu)

Genes: EFEMP2 (EGF containing fibulin extracellular matrix protein 2; minus strand), MUS81 (MUS81 structure-specific endonuclease subunit; plus strand). Cytogenetic location: 11q13.1.
Variant type: single nucleotide variant.
Coding change: c.1192A>C on transcript NM_016938.5 (MANE Select); coding-DNA position 1192, A replaced by C.
Protein change: p.Met398Leu; replaces methionine 398 with leucine.
Molecular consequence: missense variant. On other transcripts: non-coding transcript variant (1).
Genome position (GRCh38, 1-based): chr11:65,867,058, T>G on the plus strand (A>C on the coding strand, the complement: EFEMP2 is on the minus strand). VCF-style: chr11-65867058-T-G. GRCh37 (hg19) VCF-style: chr11-65634529-T-G.
Other names: short protein forms M398L.
Identifiers: ClinVar variation 1745176 (VCV001745176.2), dbSNP rs2495570073, ClinGen allele CA381349666.

ClinVar aggregate classification (germline): Uncertain significance (1 of 4 stars; one submission).

Conditions:
Cardiovascular phenotype. Identifiers: MedGen CN230736.

Submission:

Ambry Genetics
Classification: Uncertain significance for Cardiovascular phenotype. Last evaluated: 2021-08-07. Review status: criteria provided, single submitter. Criteria: Ambry Variant Classification Scheme 2023. Collection method: clinical testing. Allele origin: germline.
Comment: The p.M398L variant (also known as c.1192A>C), located in coding exon 10 of the EFEMP2 gene, results from an A to C substitution at nucleotide position 1192. The methionine at codon 398 is replaced by leucine, an amino acid with highly similar properties. This amino acid position is conserved. In addition, the in silico prediction for this alteration is inconclusive. Since supporting evidence is limited at this time, the clinical significance of this alteration remains unclear.